The following is an entry in ClinVar:

ClinVar aggregate classification (germline): Likely benign. Review status: criteria provided, multiple submitters, no conflicts (2 of 4 stars). 2 submissions from 2 submitters: Likely benign (2). Last evaluated 2025-10-09.

Allele frequency attached by ClinVar (database versions not stated): ExAC 0.00005; gnomAD 0.00008 and 0.00009; gnomAD exomes 0.00008; TOPMed 0.00011.
gnomAD v4.1: 46 of 1,551,298 alleles (0.003%); highest among the groups gnomAD compares: Admixed American, 0.037%; no homozygotes.

Submissions (3):

Labcorp Genetics (formerly Invitae), Labcorp
Classification: Likely benign. Last evaluated: 2025-10-09. Review status: criteria provided, single submitter. Criteria: Invitae Variant Classification Sherloc (09022015). Collection method: clinical testing. Allele origin: germline.

Laboratory for Molecular Medicine, Mass General Brigham Personalized Medicine
Classification: Likely benign. Last evaluated: 2014-02-06. Review status: criteria provided, single submitter. Criteria: LMM Criteria. Collection method: clinical testing. Allele origin: germline. Observed: 1 variant allele.
Comment: Gly1157Gly in Exon 22 of LOXHD1: This variant is not expected to have clinical s ignificance because it does not alter an amino acid residue and is not located w ithin the splice consensus sequence.

Dr. Peter K. Rogan Lab, Western University
No classification provided (evidence only). Condition: Nonpapillary renal cell carcinoma. Review status: no classification provided. Collection method: in vitro. Allele origin: not applicable. Functional consequence: retained intron. Not counted in ClinVar's aggregate classification.

NM_001384474.1(LOXHD1):c.3471C>T (p.Gly1157=)

Gene: LOXHD1 (lipoxygenase homology PLAT domains 1; minus strand). Cytogenetic location: 18q21.1.
Variant type: single nucleotide variant.
Coding change: c.3471C>T on transcript NM_001384474.1 (MANE Select); coding-DNA position 3471, C replaced by T.
Protein change: p.Gly1157=; no amino-acid change (glycine 1157 retained).
Molecular consequence: synonymous variant. On other transcripts: 5 prime UTR variant (1).
Genome position (GRCh38, 1-based): chr18:46,546,938, G>A on the plus strand (C>T on the coding strand, the complement: LOXHD1 is on the minus strand). VCF-style: chr18-46546938-G-A. GRCh37 (hg19) VCF-style: chr18-44126901-G-A.
Other names: c.138C>T, p.Gly46= (NM_001145472.3); c.-151C>T (NM_001308013.2); c.3471C>T, p.Gly1157= (NM_144612.7).
Identifiers: ClinVar variation 163914 (VCV000163914.15), dbSNP rs727503141, ClinGen allele CA176632.